The following is an entry in ClinVar:

NM_018026.4(PACS1):c.1626+1G>T

Gene: PACS1 (phosphofurin acidic cluster sorting protein 1; plus strand). Cytogenetic location: 11q13.2.
Variant type: single nucleotide variant.
Coding change: c.1626+1G>T on transcript NM_018026.4 (MANE Select); the canonical splice donor site of the intron after coding-DNA position 1626, G replaced by T.
Molecular consequence: splice donor variant.
Genome position (GRCh38, 1-based): chr11:66,230,941, G>T. VCF-style: chr11-66230941-G-T. GRCh37 (hg19) VCF-style: chr11-65998412-G-T.
Identifiers: ClinVar variation 3644555 (VCV003644555.2).

ClinVar aggregate classification (germline): Uncertain significance (1 of 4 stars; one submission).

Conditions:
Schuurs-Hoeijmakers syndrome. Also called: PACS1-Related Neurodevelopmental Disorder. Identifiers: Orphanet 329224, MedGen C3554343, MONDO:0014006, OMIM 615009.

Submission:

Labcorp Genetics (formerly Invitae), Labcorp
Classification: Uncertain significance for Schuurs-Hoeijmakers syndrome. Last evaluated: 2024-03-05. Review status: criteria provided, single submitter. Criteria: Invitae Variant Classification Sherloc (09022015). Collection method: clinical testing. Allele origin: germline.
Comment: This sequence change affects a donor splice site in intron 13 of the PACS1 gene. It is expected to disrupt RNA splicing. Variants that disrupt the donor or acceptor splice site typically lead to a loss of protein function (PMID: 16199547), however the current clinical and genetic evidence is not sufficient to establish whether loss-of-function variants in PACS1 cause disease. This variant is not present in population databases (gnomAD no frequency). This variant has not been reported in the literature in individuals affected with PACS1-related conditions. Algorithms developed to predict the effect of sequence changes on RNA splicing suggest that this variant may disrupt the consensus splice site. In summary, the available evidence is currently insufficient to determine the role of this variant in disease. Therefore, it has been classified as a Variant of Uncertain Significance.

Literature cited by the submitters: PubMed 16199547.